The following is an entry in ClinVar:

ClinVar aggregate classification (germline): Uncertain significance (1 of 4 stars; one submission).

gnomAD v4.1: 1 of 1,614,272 alleles (0.000062%); highest among the groups gnomAD compares: African/African-American, 0.0013%; no homozygotes.

Submission:

Ambry Genetics
Classification: Uncertain significance. Last evaluated: 2024-11-16. Review status: criteria provided, single submitter. Criteria: Ambry Variant Classification Scheme 2023. Collection method: clinical testing. Allele origin: germline.
Comment: The p.H236Q variant (also known as c.708T>G), located in coding exon 3 of the ALPK2 gene, results from a T to G substitution at nucleotide position 708. The histidine at codon 236 is replaced by glutamine, an amino acid with highly similar properties. This amino acid position is conserved. In addition, this alteration is predicted to be tolerated by in silico analysis. Since supporting evidence is limited at this time, the clinical significance of this alteration remains unclear.

NM_052947.4(ALPK2):c.708T>G (p.His236Gln)

Genes: ALPK2 (alpha kinase 2; minus strand), LOC114803473 (ALPK2 eExon liver enhancer; plus strand). Cytogenetic location: 18q21.31.
Variant type: single nucleotide variant.
Coding change: c.708T>G on transcript NM_052947.4 (MANE Select); coding-DNA position 708, T replaced by G.
Protein change: p.His236Gln; replaces histidine 236 with glutamine.
Molecular consequence: missense variant.
Genome position (GRCh38, 1-based): chr18:58,580,068, A>C on the plus strand (T>G on the coding strand, the complement: ALPK2 is on the minus strand). VCF-style: chr18-58580068-A-C. GRCh37 (hg19) VCF-style: chr18-56247300-A-C.
Other names: short protein forms H236Q.
Identifiers: ClinVar variation 1757100 (VCV001757100.3), dbSNP rs375182355, ClinGen allele CA402567384.